The following is an entry in ClinVar:

ClinVar aggregate classification (germline): Uncertain significance. Review status: criteria provided, multiple submitters, no conflicts (2 of 4 stars). 2 submissions from 2 submitters: Uncertain significance (2). Last evaluated 2026-10-15.

Conditions:
Autosomal recessive nonsyndromic hearing loss 1B. Also called: DEAFNESS, AUTOSOMAL RECESSIVE 1B. Identifiers: Orphanet 90636, MedGen C2675235, MONDO:0012977, OMIM 612645.
Autosomal recessive nonsyndromic hearing loss 1A (DFNB1A). Also called: Connexin 26 deafness; Deafness nonsyndromic, Connexin 26 linked; GJB6-Related DFNB 1 Nonsyndromic Hearing Loss and Deafness; Deafness, autosomal recessive 1A; GJB2-Related Autosomal Recessive Nonsyndromic Hearing Loss; Nonsyndromic Hearing Loss and Deafness, DFNB1. Identifiers: Orphanet 90636, MedGen C2673759, MONDO:0009076, OMIM 220290.
Autosomal dominant nonsyndromic hearing loss 3B. Identifiers: Orphanet 90635, MedGen C2675237, MONDO:0012975, OMIM 612643.
Hidrotic ectodermal dysplasia syndrome (GJB6). Also called: ECTODERMAL DYSPLASIA 2, CLOUSTON TYPE; Ectodermal dysplasia 2, hidrotic; Autosomal dominant hidrotic ectodermal dysplasia; Clouston syndrome; Clouston's hidrotic ectodermal dysplasia; Hidrotic ectodermal dysplasia. Identifiers: Orphanet 189, MedGen C0162361, MONDO:0007510, OMIM 129500.

Allele frequency attached by ClinVar (database versions not stated): TOPMed 0.00014; ESP Exome Variant Server 0.00015; gnomAD 0.00013 and 0.00014.
gnomAD v4.1: 35 of 1,613,998 alleles (0.0022%); highest among the groups gnomAD compares: African/African-American, 0.043%; no homozygotes.

Submissions (2):

GeneDx
Classification: Uncertain significance. Last evaluated: 2026-10-15. Review status: criteria provided, single submitter. Criteria: GeneDx Variant Classification Process June 2021. Collection method: clinical testing. Allele origin: germline.
Comment: In silico analysis suggests that this missense variant does not alter protein structure/function; Has not been previously published as pathogenic or benign to our knowledge

Labcorp Genetics (formerly Invitae), Labcorp
Classification: Uncertain significance for Autosomal dominant nonsyndromic hearing loss 3B; Hidrotic ectodermal dysplasia syndrome; Autosomal recessive nonsyndromic hearing loss 1B; Autosomal recessive nonsyndromic hearing loss 1A. Last evaluated: 2026-01-12. Review status: criteria provided, single submitter. Criteria: Invitae Variant Classification Sherloc (09022015). Collection method: clinical testing. Allele origin: germline.
Comment: This sequence change replaces serine, which is neutral and polar, with glycine, which is neutral and non-polar, at codon 261 of the GJB6 protein (p.Ser261Gly). This variant is present in population databases (rs143962007, gnomAD 0.05%). This variant has not been reported in the literature in individuals affected with GJB6-related conditions. ClinVar contains an entry for this variant (Variation ID: 450929). An algorithm developed to predict the effect of missense changes on protein structure and function (PolyPhen-2) suggests that this variant is likely to be disruptive. In summary, the available evidence is currently insufficient to determine the role of this variant in disease. Therefore, it has been classified as a Variant of Uncertain Significance.

NM_001110219.3(GJB6):c.781A>G (p.Ser261Gly)

Gene: GJB6 (gap junction protein beta 6; minus strand). Cytogenetic location: 13q12.11.
Variant type: single nucleotide variant.
Coding change: c.781A>G on transcript NM_001110219.3 (MANE Select); coding-DNA position 781, A replaced by G.
Protein change: p.Ser261Gly; replaces serine 261 with glycine.
Molecular consequence: missense variant.
Genome position (GRCh38, 1-based): chr13:20,222,700, T>C on the plus strand (A>G on the coding strand, the complement: GJB6 is on the minus strand). VCF-style: chr13-20222700-T-C. GRCh37 (hg19) VCF-style: chr13-20796839-T-C.
Other names: c.781A>G, p.Ser261Gly (NM_001110220.3, NM_001110221.3, NM_001370090.1 and 3 more transcripts); short protein forms S261G.
Identifiers: ClinVar variation 450929 (VCV000450929.12), dbSNP rs143962007, ClinGen allele CA6904363.